The following is an entry in ClinVar:

NM_004370.6(COL12A1):c.9077del (p.Pro3026fs)

Gene: COL12A1 (collagen type XII alpha 1 chain; minus strand). Cytogenetic location: 6q13.
Variant type: Deletion.
Coding change: c.9077del on transcript NM_004370.6 (MANE Select); coding-DNA position 9077, one base deleted (C; older notation c.9077delC).
Protein change: p.Pro3026fs; shifts the reading frame from proline 3026.
Molecular consequence: frameshift variant.
Genome position (GRCh38, 1-based): chr6:75,087,681, G deleted on the plus strand (C on the coding strand, the reverse complement: COL12A1 is on the minus strand); the first of 6 consecutive G bases (chr6:75,087,681-75,087,686); deleting any one gives the same sequence. VCF-style (leftmost placement, unchanged base first): chr6-75087680-AG-A. GRCh37 (hg19) VCF-style: chr6-75797396-AG-A.
Other names: c.9077del, p.Pro3026fs (NM_001424113.1); c.9056del, p.Pro3019fs (NM_001424114.1); c.8804del, p.Pro2935fs (NM_001424115.1); c.5585del, p.Pro1862fs (NM_001424116.1, NM_080645.3); short protein forms P1862fs, P3019fs, P2935fs, P3026fs.
Identifiers: ClinVar variation 2934079 (VCV002934079.3), dbSNP rs1243039688, ClinGen allele CA568227613.
Genomic context (GRCh38, chr6:75,087,680, plus strand): 5'-AGAATCACAGTATCCAGGAGGACCTGGGGGTCCTCGGATACCTGAGTTTCCAGGACGGCC[AG>A]GGGGGCCAGGGGGACCTCTTGAACCTGTGGACCCTGGTGGACCTGTTCTGGATTCTCCTT-3'

ClinVar aggregate classification (germline): Uncertain significance (1 of 4 stars; one submission).

Conditions:
Ullrich congenital muscular dystrophy 2 (UCMD2). Identifiers: Orphanet 75840, MedGen C4225314, MONDO:0014654, OMIM 616470.
Bethlem myopathy 2 (BTHLM2). Identifiers: Orphanet 536516, Orphanet 610, MedGen C4225313, MONDO:0034022, OMIM 616471.

Submission:

Labcorp Genetics (formerly Invitae), Labcorp
Classification: Uncertain significance for Bethlem myopathy 2; Ullrich congenital muscular dystrophy 2. Last evaluated: 2023-10-17. Review status: criteria provided, single submitter. Criteria: Invitae Variant Classification Sherloc (09022015). Collection method: clinical testing. Allele origin: germline.
Comment: This sequence change results in a frameshift in the COL12A1 gene (p.Pro3026Leufs*51). While this is not anticipated to result in nonsense mediated decay, it is expected to disrupt the last 38 amino acid(s) of the COL12A1 protein and extend the protein by 12 additional amino acid residues. The frequency data for this variant in the population databases is considered unreliable, as metrics indicate poor data quality at this position in the gnomAD database. This variant has not been reported in the literature in individuals affected with COL12A1-related conditions. Experimental studies and prediction algorithms are not available or were not evaluated, and the functional significance of this variant is currently unknown. In summary, the available evidence is currently insufficient to determine the role of this variant in disease. Therefore, it has been classified as a Variant of Uncertain Significance.